The following is an entry in ClinVar:

ClinVar aggregate classification (germline): Uncertain significance (1 of 4 stars; one submission).

Conditions:
Familial adenomatous polyposis 1 (FAP1). Also called: FAMILIAL ADENOMATOUS POLYPOSIS 1, ATTENUATED; POLYPOSIS, ADENOMATOUS INTESTINAL. Identifiers: MedGen C2713442, MONDO:0021056, OMIM 175100. Disease mechanism: loss of function.

Submission:

Labcorp Genetics (formerly Invitae), Labcorp
Classification: Uncertain significance for Familial adenomatous polyposis 1. Last evaluated: 2022-03-04. Review status: criteria provided, single submitter. Criteria: Invitae Variant Classification Sherloc (09022015). Collection method: clinical testing. Allele origin: germline.
Comment: This variant occurs in a non-coding region of the APC gene. It does not change the encoded amino acid sequence of the APC protein. This variant is not present in population databases (gnomAD no frequency). This variant has not been reported in the literature in individuals affected with APC-related conditions. Experimental studies and prediction algorithms are not available or were not evaluated, and the functional significance of this variant is currently unknown. In summary, the available evidence is currently insufficient to determine the role of this variant in disease. Therefore, it has been classified as a Variant of Uncertain Significance.

NC_000005.10:g.112707347C>A

Gene: APC (APC regulator of Wnt signaling pathway; plus strand). Cytogenetic location: 5q22.2.
Variant type: single nucleotide variant.
Genome position: GRCh38 VCF-style: chr5-112707347-C-A. GRCh37 (hg19) VCF-style: chr5-112043044-C-A.
Identifiers: ClinVar variation 2146342 (VCV002146342.2), dbSNP rs2531730437, ClinGen allele CA2580072222.
Genomic context (GRCh38, chr5:112,707,347, plus strand): 5'-TGTGCAGAAGGATCTATTAACTGGGCTGCAGCACAATTCAGAGAAGGCCAGTAAGTGCTG[C>A]AACTGAGACTCGGCTGCCTAGGCAGCAATGGCTCACGGGACAGAACAGCGAAGCAGTGCC-3'